The following is an entry in ClinVar:

ClinVar aggregate classification (germline): Conflicting classifications of pathogenicity. Review status: criteria provided, conflicting classifications (1 of 4 stars). 13 submissions from 13 submitters: Uncertain significance (8); Likely benign (1). 4 of the submissions do not count toward it. Last evaluated 2026-09-02.

Conditions:
SPG11-related disorder. Also called: SPG11-related condition.
Inborn genetic diseases. Identifiers: MedGen C0950123, MeSH D030342.
Intellectual disability. Also called: intellectual disabilities; Intellectual developmental disorder; Intellectual functioning disability. Identifiers: MedGen C3714756, MeSH D008607, MONDO:0001071, HP:0001249.
Hereditary spastic paraplegia 11. Also called: Spastic Paraplegia 11; Nakamura Osame syndrome; Autosomal recessive hereditary spastic paraplegia, mental impairment, and thin corpus callosum; Spastic paraplegia, mental retardation and thin corpus callosum; SPASTIC PARAPLEGIA, AUTOSOMAL RECESSIVE, COMPLICATED, WITH THIN CORPUS CALLOSUM; SPASTIC PARAPLEGIA, AUTOSOMAL RECESSIVE, WITH MENTAL IMPAIRMENT AND THIN CORPUS CALLOSUM. Identifiers: Orphanet 2822, MedGen C1858479, MONDO:0011445, OMIM 604360.

Allele frequency attached by ClinVar (database versions not stated): ExAC 0.00021; gnomAD exomes 0.00021; TOPMed 0.00023; gnomAD 0.00025 and 0.00026; ESP Exome Variant Server 0.00038.
gnomAD v4.1: 576 of 1,613,980 alleles (0.036%); highest among the groups gnomAD compares: Non-Finnish European, 0.047%; no homozygotes.

Submissions (13):

PreventionGenetics, part of Exact Sciences
Classification: Uncertain significance for SPG11-related condition. Last evaluated: 2026-09-02. Review status: criteria provided, single submitter. Criteria: ACMG Guidelines, 2015. Collection method: clinical testing. Allele origin: germline.
Comment: The SPG11 c.395G>A variant is predicted to result in the amino acid substitution p.Ser132Asn. This variant was reported as part of a large cohort in two individuals with sporadic amyotrophic lateral sclerosis (ALS) (Suppl Table 5, Ruf et al. 2023. PubMed ID: 37223130). A different substitution at the same codon, defined as c.394A>G (p.Ser132Gly), was also reported in an individual with ALS (Kenna et al. 2013. PubMed ID: 23881933). The c.395G>A (p.Ser132Asn) variant is reported in 0.042% of alleles in individuals of European (Non-Finnish) descent in gnomAD. At this time, the clinical significance of this variant is uncertain due to the absence of conclusive functional and genetic evidence.

Women's Health and Genetics/Laboratory Corporation of America, LabCorp
Classification: Uncertain significance. Last evaluated: 2026-02-19. Review status: criteria provided, single submitter. Criteria: LabCorp Variant Classification Summary - May 2015. Collection method: clinical testing. Allele origin: germline.
Comment: Variant summary: SPG11 c.395G>A (p.Ser132Asn) results in a conservative amino acid change in the encoded protein sequence. Algorithms developed to predict the effect of missense changes on protein structure and function all suggest that this variant is likely to be tolerated. The variant allele was found at a frequency of 0.00021 in 251378 control chromosomes. This frequency is not significantly higher than estimated for disease-causing variants in SPG11, allowing no conclusion about variant significance. To our knowledge, no occurrence of c.395G>A in individuals affected with SPG11-related conditions and no experimental evidence demonstrating its impact on protein function have been reported. ClinVar contains an entry for this variant (Variation ID: 406529). Based on the evidence outlined above, the variant was classified as uncertain significance.

CeGaT Center for Human Genetics Tuebingen
Classification: Uncertain significance. Last evaluated: 2025-11-01. Review status: criteria provided, single submitter. Criteria: CeGaT Center For Human Genetics Tuebingen Variant Classification Criteria Version 2. Collection method: clinical testing. Allele origin: germline. Affected: yes. Observed: 4 variant alleles.
Comment: SPG11: PM2, BP4

Athena Diagnostics
Classification: Uncertain significance. Last evaluated: 2025-03-26. Review status: criteria provided, single submitter. Criteria: Athena Diagnostics Criteria. Collection method: clinical testing. Allele origin: unknown.
Comment: Available data are insufficient to determine the clinical significance of the variant at this time. The frequency of this variant in the general population is uninformative in assessment of its pathogenicity. Polyphen and MutationTaster predict this amino acid change may be benign.

Ambry Genetics
Classification: Uncertain significance for Inborn genetic diseases. Last evaluated: 2022-11-08. Review status: criteria provided, single submitter. Criteria: Ambry Variant Classification Scheme 2023. Collection method: clinical testing. Allele origin: germline.

Labcorp Genetics (formerly Invitae), Labcorp
Classification: Uncertain significance for Hereditary spastic paraplegia 11. Last evaluated: 2022-10-17. Review status: criteria provided, single submitter. Criteria: Invitae Variant Classification Sherloc (09022015). Collection method: clinical testing. Allele origin: germline.
Comment: This sequence change replaces serine, which is neutral and polar, with asparagine, which is neutral and polar, at codon 132 of the SPG11 protein (p.Ser132Asn). This variant is present in population databases (rs145132275, gnomAD 0.04%). This variant has not been reported in the literature in individuals affected with SPG11-related conditions. ClinVar contains an entry for this variant (Variation ID: 406529). Algorithms developed to predict the effect of missense changes on protein structure and function output the following: SIFT: "Tolerated"; PolyPhen-2: "Possibly Damaging"; Align-GVGD: "Class C0". The asparagine amino acid residue is found in multiple mammalian species, which suggests that this missense change does not adversely affect protein function. In summary, the available evidence is currently insufficient to determine the role of this variant in disease. Therefore, it has been classified as a Variant of Uncertain Significance.

GeneDx
Classification: Uncertain significance. Last evaluated: 2022-05-13. Review status: criteria provided, single submitter. Criteria: GeneDx Variant Classification Process June 2021. Collection method: clinical testing. Allele origin: germline. Affected: yes.
Comment: In silico analysis supports that this missense variant does not alter protein structure/function; Has not been previously published as pathogenic or benign to our knowledge

Mayo Clinic Laboratories, Mayo Clinic
Classification: Uncertain significance. Last evaluated: 2021-07-07. Review status: criteria provided, single submitter. Criteria: ACMG Guidelines, 2015. Collection method: clinical testing. Allele origin: germline.

Genome Diagnostics Laboratory, University Medical Center Utrecht
Classification: Likely benign for Hereditary spastic paraplegia 11. Last evaluated: 2016-11-01. Review status: criteria provided, single submitter. Criteria: ACGS Guidelines, 2013. Collection method: clinical testing. Allele origin: germline. Affected: yes. Study: VKGL Data-share Consensus.

Centre de Biologie Pathologie Génétique, Centre Hospitalier Universitaire de Lille
Classification: Uncertain significance for Intellectual disability. Last evaluated: 2019-01-01. Review status: no assertion criteria provided. Collection method: clinical testing. Allele origin: unknown. Affected: yes. Not counted in ClinVar's aggregate classification.

Clinical Genetics DNA and cytogenetics Diagnostics Lab, Erasmus MC, Erasmus Medical Center
Classification: Likely benign. Review status: no assertion criteria provided. Collection method: clinical testing. Allele origin: germline. Affected: yes. Study: VKGL Data-share Consensus. Not counted in ClinVar's aggregate classification.

Diagnostic Laboratory, Department of Genetics, University Medical Center Groningen
Classification: Likely benign for Hereditary spastic paraplegia 11. Review status: no assertion criteria provided. Collection method: clinical testing. Allele origin: germline. Affected: yes. Study: VKGL Data-share Consensus. Not counted in ClinVar's aggregate classification.

Genome Diagnostics Laboratory, Amsterdam University Medical Center
Classification: Likely benign. Review status: no assertion criteria provided. Collection method: clinical testing. Allele origin: germline. Affected: yes. Study: VKGL Data-share Consensus. Not counted in ClinVar's aggregate classification.

Literature cited by the submitters: PubMed 39044379 (cited by Athena Diagnostics); PubMed 37223130 (cited by Athena Diagnostics).

NM_025137.4(SPG11):c.395G>A (p.Ser132Asn)

Gene: SPG11 (SPG11 vesicle trafficking associated, spatacsin; minus strand). Cytogenetic location: 15q21.1.
Variant type: single nucleotide variant.
Coding change: c.395G>A on transcript NM_025137.4 (MANE Select); coding-DNA position 395, G replaced by A.
Protein change: p.Ser132Asn; replaces serine 132 with asparagine.
Molecular consequence: missense variant.
Genome position (GRCh38, 1-based): chr15:44,660,479, C>T on the plus strand (G>A on the coding strand, the complement: SPG11 is on the minus strand). VCF-style: chr15-44660479-C-T. GRCh37 (hg19) VCF-style: chr15-44952677-C-T.
Other names: p.Ser132Asn; c.395G>A, p.Ser132Asn (NM_001160227.2); short protein forms S132N.
Identifiers: ClinVar variation 406529 (VCV000406529.46), dbSNP rs145132275, ClinGen allele CA7535855.
Genomic context (GRCh38, chr15:44,660,479, plus strand): 5'-TGTAGATACTTACTGATATCTTGATCGTCAATGAGCTTTTGCAATGCCTCCCTACTACAG[C>T]TATACAAAATGGTTGCATCACATCTTCCATCTTTCAAATTAAATTCATAGATAAGCAGTT-3'
Protein context (NP_079413.3, residues 122-142): DGRCDATILY[Ser132Asn]CSREALQKLI